The following is an entry in ClinVar:

NM_024915.4(GRHL2):c.1517+12A>G

Gene: GRHL2 (grainyhead like transcription factor 2; plus strand). Cytogenetic location: 8q22.3.
Variant type: single nucleotide variant.
Coding change: c.1517+12A>G on transcript NM_024915.4 (MANE Select); 12 bases into the intron after coding-DNA position 1517, A replaced by G.
Molecular consequence: intron variant.
Genome position (GRCh38, 1-based): chr8:101,636,940, A>G. VCF-style: chr8-101636940-A-G. GRCh37 (hg19) VCF-style: chr8-102649168-A-G.
Other names: c.1469+12A>G (NM_001330593.2).
Identifiers: ClinVar variation 163649 (VCV000163649.18), dbSNP rs142083150, ClinGen allele CA176267.

ClinVar aggregate classification (germline): Benign/Likely benign. Review status: criteria provided, multiple submitters, no conflicts (2 of 4 stars). 6 submissions from 6 submitters: Benign (2); Likely benign (4). Last evaluated 2026-01-28.

Allele frequency attached by ClinVar (database versions not stated): gnomAD exomes 0.00053 and 0.00121; ExAC 0.00137; 1000 Genomes Project 0.00399; ESP Exome Variant Server 0.00408; gnomAD 0.00425 and 0.00458; 1000 Genomes Project 30x 0.00484; TOPMed 0.00505.
gnomAD v4.1: 1,481 of 1,612,324 alleles (0.092%); highest among the groups gnomAD compares: African/African-American, 1.5%; 13 homozygotes.

Submissions (6):

Labcorp Genetics (formerly Invitae), Labcorp
Classification: Benign. Last evaluated: 2026-01-28. Review status: criteria provided, single submitter. Criteria: Invitae Variant Classification Sherloc (09022015). Collection method: clinical testing. Allele origin: germline.

Genomic Medicine Center of Excellence, King Faisal Specialist Hospital and Research Centre
Classification: Likely benign. Last evaluated: 2025-08-18. Review status: criteria provided, single submitter. Criteria: ACMG Guidelines, 2015. Collection method: clinical testing. Allele origin: germline.

Blueprint Genetics
Classification: Likely benign. Last evaluated: 2024-10-22. Review status: criteria provided, single submitter. Criteria: ACMG Guidelines, 2015. Collection method: clinical testing. Allele origin: germline.

GeneDx
Classification: Likely benign. Last evaluated: 2018-08-07. Review status: criteria provided, single submitter. Criteria: GeneDx Variant Classification Process June 2021. Collection method: clinical testing. Allele origin: germline. Affected: yes.

Laboratory for Molecular Medicine, Mass General Brigham Personalized Medicine
Classification: Benign. Last evaluated: 2012-04-30. Review status: criteria provided, single submitter. Criteria: LMM Criteria. Collection method: clinical testing. Allele origin: germline. Observed: 3 variant alleles.
Comment: 1517+12A>G in Intron 12 of GRHL2: This variant is not expected to have clinical significance because it is not located within the conserved splice consensus seq uence and has been identified in 1.4% (53/3738) of African American chromosomes from a broad population by the NHLBI Exome Sequencing Project (dbSNP rs142083150).

Breakthrough Genomics
Classification: Likely benign. Review status: criteria provided, single submitter. Criteria: ACMG Guidelines, 2015. Collection method: not provided. Allele origin: germline. Inheritance: Autosomal recessive inheritance. Affected: yes.